The following is an entry in ClinVar:

NC_000003.11:g.(?_135974678)_(135979397_?)del

Gene: PCCB (propionyl-CoA carboxylase subunit beta; plus strand). Cytogenetic location: 3q22.3.
Variant type: Deletion.
Identifiers: ClinVar variation 3246856 (VCV003246856.1).

ClinVar aggregate classification (germline): Pathogenic (1 of 4 stars; one submission).

Conditions:
Propionic acidemia (PROP). Also called: GLYCINEMIA, KETOTIC; HYPERGLYCINEMIA WITH KETOACIDOSIS AND LEUKOPENIA; KETOTIC HYPERGLYCINEMIA. Identifiers: Orphanet 35, MedGen C0268579, MONDO:0011628, OMIM 606054, HP:0003571.

Submission:

Labcorp Genetics (formerly Invitae), Labcorp
Classification: Pathogenic for Propionic acidemia. Last evaluated: 2023-06-03. Review status: criteria provided, single submitter. Criteria: Invitae Variant Classification Sherloc (09022015). Collection method: clinical testing. Allele origin: unknown.
Comment: For these reasons, this variant has been classified as Pathogenic. This variant disrupts a region of the PCCB protein in which other variant(s) (p.Gly112Ser) have been determined to be pathogenic (Invitae). This suggests that this is a clinically significant region of the protein, and that variants that disrupt it are likely to be disease-causing. This variant has not been reported in the literature in individuals affected with PCCB-related conditions. This variant is a gross deletion of the genomic region encompassing exon(s) 2-4 of the PCCB gene. This variant would be expected to be in-frame, preserving the integrity of the reading frame.